The following is an entry in ClinVar:

NM_000639.3(FASLG):c.91C>T (p.Pro31Ser)

Gene: FASLG (Fas ligand; plus strand). Cytogenetic location: 1q24.3.
Variant type: single nucleotide variant.
Coding change: c.91C>T on transcript NM_000639.3 (MANE Select); coding-DNA position 91, C replaced by T.
Protein change: p.Pro31Ser; replaces proline 31 with serine.
Molecular consequence: missense variant.
Genome position (GRCh38, 1-based): chr1:172,659,292, C>T. VCF-style: chr1-172659292-C-T. GRCh37 (hg19) VCF-style: chr1-172628432-C-T.
Other names: c.91C>T, p.Pro31Ser (NM_001302746.2); short protein forms P31S.
Identifiers: ClinVar variation 2468619 (VCV002468619.6), dbSNP rs764916296, ClinGen allele CA1247432.

ClinVar aggregate classification (germline): Uncertain significance. Review status: criteria provided, multiple submitters, no conflicts (2 of 4 stars). 3 submissions from 3 submitters: Uncertain significance (3). Last evaluated 2025-11-12.

Conditions:
Autoimmune lymphoproliferative syndrome type 1. Also called: AUTOIMMUNE LYMPHOPROLIFERATIVE SYNDROME, TYPE I, AUTOSOMAL DOMINANT. Identifiers: Orphanet 3261, MedGen C2717884, MONDO:0011158, OMIM 601859.

Allele frequency attached by ClinVar (database versions not stated): gnomAD 0.00001; gnomAD exomes 0.00001; ExAC 0.00002; TOPMed 0.00001.
gnomAD v4.1: 22 of 1,614,058 alleles (0.0014%); highest among the groups gnomAD compares: Non-Finnish European, 0.0018%; no homozygotes.

Submissions (3):

Women's Health and Genetics/Laboratory Corporation of America, LabCorp
Classification: Uncertain significance. Last evaluated: 2025-11-12. Review status: criteria provided, single submitter. Criteria: LabCorp Variant Classification Summary - May 2015. Collection method: clinical testing. Allele origin: germline.
Comment: Variant summary: FASLG c.91C>T (p.Pro31Ser) results in a non-conservative amino acid change in the encoded protein sequence. Algorithms developed to predict the effect of missense changes on protein structure and function are either unavailable or do not agree on the potential impact of this missense change. The variant allele was found at a frequency of 1.2e-05 in 251368 control chromosomes. The available data on variant occurrences in the general population are insufficient to allow any conclusion about variant significance. To our knowledge, no occurrence of c.91C>T in individuals affected with FASLG-related conditions and no experimental evidence demonstrating its impact on protein function have been reported. ClinVar contains an entry for this variant (Variation ID: 2468619). Based on the evidence outlined above, the variant was classified as uncertain significance.

Ambry Genetics
Classification: Uncertain significance. Last evaluated: 2025-05-05. Review status: criteria provided, single submitter. Criteria: Ambry Variant Classification Scheme 2023. Collection method: clinical testing. Allele origin: germline.

Labcorp Genetics (formerly Invitae), Labcorp
Classification: Uncertain significance for Autoimmune lymphoproliferative syndrome. Last evaluated: 2023-11-07. Review status: criteria provided, single submitter. Criteria: Invitae Variant Classification Sherloc (09022015). Collection method: clinical testing. Allele origin: germline.
Comment: This sequence change replaces proline, which is neutral and non-polar, with serine, which is neutral and polar, at codon 31 of the FASLG protein (p.Pro31Ser). This variant is present in population databases (rs764916296, gnomAD 0.004%). This variant has not been reported in the literature in individuals affected with FASLG-related conditions. Algorithms developed to predict the effect of missense changes on protein structure and function output the following: SIFT: "Not Available"; PolyPhen-2: "Benign"; Align-GVGD: "Not Available". The serine amino acid residue is found in multiple mammalian species, which suggests that this missense change does not adversely affect protein function. In summary, the available evidence is currently insufficient to determine the role of this variant in disease. Therefore, it has been classified as a Variant of Uncertain Significance.